The following is an entry in ClinVar:

NM_001148.6(ANK2):c.5723G>A (p.Gly1908Asp)

Genes: ANK2 (ankyrin 2; plus strand), LOC126807136 (MED14-independent group 3 enhancer GRCh37_chr4:114274931-114276130; plus strand). Cytogenetic location: 4q26.
Variant type: single nucleotide variant.
Coding change: c.5723G>A on transcript NM_001148.6 (MANE Select); coding-DNA position 5723, G replaced by A.
Protein change: p.Gly1908Asp; replaces glycine 1908 with aspartic acid.
Molecular consequence: missense variant. On other transcripts: intron variant (68).
Genome position (GRCh38, 1-based): chr4:113,354,341, G>A. VCF-style: chr4-113354341-G-A. GRCh37 (hg19) VCF-style: chr4-114275497-G-A.
Other names: c.5489G>A, p.Gly1830Asp (NM_001386142.1); c.2123G>A, p.Gly708Asp (NM_001386166.1); c.5864G>A, p.Gly1955Asp (NM_001386174.1); c.5840G>A, p.Gly1947Asp (NM_001386175.1); c.4411+4092G>A (NM_001386186.2, NM_001386148.2); c.4264+4092G>A (NM_001354245.2, NM_001354262.2, NM_001354275.2); c.4228+4092G>A (NM_001354268.2); c.4126+4092G>A (NM_001354273.2); and 35 more; short protein forms G1830D, G708D, G1955D, G1908D, G1947D.
Identifiers: ClinVar variation 2894389 (VCV002894389.3), dbSNP rs2095606484, ClinGen allele CA357921047.

ClinVar aggregate classification (germline): Uncertain significance (1 of 4 stars; one submission).

Conditions:
Long QT syndrome (LQTS). Identifiers: MedGen C0023976, MeSH D008133, MONDO:0002442. Disease mechanism: loss of function. Inheritance: Various modes of inheritance.

Allele frequency attached by ClinVar (database versions not stated): gnomAD exomes below 0.00001.
gnomAD v4.1: 2 of 1,613,998 alleles (0.00012%); highest among the groups gnomAD compares: Non-Finnish European, 0.00017%; no homozygotes.

Submission:

Labcorp Genetics (formerly Invitae), Labcorp
Classification: Uncertain significance for Long QT syndrome. Last evaluated: 2023-09-17. Review status: criteria provided, single submitter. Criteria: Invitae Variant Classification Sherloc (09022015). Collection method: clinical testing. Allele origin: germline.
Comment: In summary, the available evidence is currently insufficient to determine the role of this variant in disease. Therefore, it has been classified as a Variant of Uncertain Significance. An algorithm developed to predict the effect of missense changes on protein structure and function (PolyPhen-2) suggests that this variant is likely to be disruptive. This variant has not been reported in the literature in individuals affected with ANK2-related conditions. This variant is not present in population databases (gnomAD no frequency). This sequence change replaces glycine, which is neutral and non-polar, with aspartic acid, which is acidic and polar, at codon 1908 of the ANK2 protein (p.Gly1908Asp).